The following is an entry in ClinVar:

ClinVar aggregate classification (germline): Uncertain significance (1 of 4 stars; one submission).

gnomAD v4.1: 1 of 1,600,162 alleles (0.000062%); highest among the groups gnomAD compares: Non-Finnish European, 0.000085%; no homozygotes.

Submission:

Labcorp Genetics (formerly Invitae), Labcorp
Classification: Uncertain significance. Last evaluated: 2025-03-25. Review status: criteria provided, single submitter. Criteria: Invitae Variant Classification Sherloc (09022015). Collection method: clinical testing. Allele origin: germline.
Comment: This sequence change replaces isoleucine, which is neutral and non-polar, with methionine, which is neutral and non-polar, at codon 373 of the TRAF3IP1 protein (p.Ile373Met). This variant is not present in population databases (gnomAD no frequency). This variant has not been reported in the literature in individuals affected with TRAF3IP1-related conditions. An algorithm developed to predict the effect of missense changes on protein structure and function (PolyPhen-2) suggests that this variant is likely to be disruptive. In summary, the available evidence is currently insufficient to determine the role of this variant in disease. Therefore, it has been classified as a Variant of Uncertain Significance.

NM_015650.4(TRAF3IP1):c.1119A>G (p.Ile373Met)

Gene: TRAF3IP1 (TRAF3 interacting protein 1; plus strand). Cytogenetic location: 2q37.3.
Variant type: single nucleotide variant.
Coding change: c.1119A>G on transcript NM_015650.4 (MANE Select); coding-DNA position 1119, A replaced by G.
Protein change: p.Ile373Met; replaces isoleucine 373 with methionine.
Molecular consequence: missense variant. On other transcripts: intron variant (1).
Genome position (GRCh38, 1-based): chr2:238,338,417, A>G. VCF-style: chr2-238338417-A-G. GRCh37 (hg19) VCF-style: chr2-239247058-A-G.
Other names: c.1063+4382A>G (NM_001139490.1); short protein forms I373M.
Identifiers: ClinVar variation 4761386 (VCV004761386.1).
Genomic context (GRCh38, chr2:238,338,417, plus strand): 5'-GTCAGGAAGGAAGGAGGATAATATTTCAGCTAAAAGTTTAGACTCCATAGTGTCTGGAAT[A>G]AATAATGAGCCAAATCAGGAAACGACAACATCAGAAATAGGTAAGAAAAATATATTCTTT-3'
Protein context (NP_056465.2, residues 363-383): AKSLDSIVSG[Ile373Met]NNEPNQETTT